The following is an entry in ClinVar:

ClinVar aggregate classification (germline): Conflicting classifications of pathogenicity. Review status: criteria provided, conflicting classifications (1 of 4 stars). 2 submissions from 2 submitters: Uncertain significance (1); Likely benign (1). Last evaluated 2025-07-30.

Conditions:
Intellectual developmental disorder, autosomal dominant 47. Also called: Intellectual disability, autosomal dominant 47; MENTAL RETARDATION, AUTOSOMAL DOMINANT 47. Identifiers: Orphanet 502434, MedGen C4539951, MONDO:0030912, OMIM 617635.

Submissions (2):

Labcorp Genetics (formerly Invitae), Labcorp
Classification: Likely benign. Last evaluated: 2025-07-30. Review status: criteria provided, single submitter. Criteria: Invitae Variant Classification Sherloc (09022015). Collection method: clinical testing. Allele origin: germline.

Baylor Genetics
Classification: Uncertain significance for Intellectual developmental disorder, autosomal dominant 47. Last evaluated: 2019-06-28. Review status: criteria provided, single submitter. Criteria: ACMG Guidelines, 2015. Collection method: clinical testing. Allele origin: paternal. Affected: yes.
Comment: This variant was determined to be of uncertain significance according to ACMG Guidelines, 2015 [PMID:25741868].

NM_005862.3(STAG1):c.42_44dup (p.Asn14_Glu15insAsp)

Gene: STAG1 (STAG1 cohesin complex component; minus strand). Cytogenetic location: 3q22.3.
Variant type: Duplication.
Coding change: c.42_44dup on transcript NM_005862.3 (MANE Select); coding-DNA positions 42 to 44, 3 bases duplicated (TGA; older notation c.42_44dupTGA).
Protein change: p.Asn14_Glu15insAsp.
Molecular consequence: inframe insertion.
Genome position (GRCh38, 1-based): chr3:136,623,234-136,623,236, TCA duplicated on the plus strand (TGA on the coding strand, the reverse complement: STAG1 is on the minus strand); duplicating any 3 consecutive bases within chr3:136,623,234-136,623,237 gives the same sequence; the c. name uses the placement nearest the transcript's 3' end. VCF-style (leftmost placement, unchanged base first): chr3-136623233-T-TTCA. GRCh37 (hg19) VCF-style: chr3-136342075-T-TTCA.
Identifiers: ClinVar variation 1028435 (VCV001028435.5), dbSNP rs1939944359, ClinGen allele CA1404461768.